The following is an entry in ClinVar:

NM_138927.4(SON):c.3354T>C (p.Tyr1118=)

Gene: SON (SON DNA and RNA binding protein; plus strand). Cytogenetic location: 21q22.11.
Variant type: single nucleotide variant.
Coding change: c.3354T>C on transcript NM_138927.4 (MANE Select); coding-DNA position 3354, T replaced by C.
Protein change: p.Tyr1118=; no amino-acid change (tyrosine 1118 retained).
Molecular consequence: synonymous variant. On other transcripts: non-coding transcript variant (1), intron variant (1).
Genome position (GRCh38, 1-based): chr21:33,552,585, T>C. VCF-style: chr21-33552585-T-C. GRCh37 (hg19) VCF-style: chr21-34924891-T-C.
Other names: c.3354T>C, p.Tyr1118= (NM_001291411.2, NM_001412133.1, NM_032195.3 and 2 more transcripts); c.245-4571T>C (NM_001291412.3).
Identifiers: ClinVar variation 2652611 (VCV002652611.25), dbSNP rs146640501, ClinGen allele CA10009270.

ClinVar aggregate classification (germline): Likely benign. Review status: criteria provided, multiple submitters, no conflicts (2 of 4 stars). 2 submissions from 2 submitters: Likely benign (2). Last evaluated 2025-07-03.

Allele frequency attached by ClinVar (database versions not stated): ExAC 0.00001; gnomAD 0.00002; gnomAD exomes 0.00002; 1000 Genomes Project 30x 0.00016; 1000 Genomes Project 0.00020.
gnomAD v4.1: 27 of 1,614,176 alleles (0.0017%); highest among the groups gnomAD compares: East Asian, 0.036%; no homozygotes.

Submissions (2):

Labcorp Genetics (formerly Invitae), Labcorp
Classification: Likely benign. Last evaluated: 2025-07-03. Review status: criteria provided, single submitter. Criteria: Invitae Variant Classification Sherloc (09022015). Collection method: clinical testing. Allele origin: germline.

CeGaT Center for Human Genetics Tuebingen
Classification: Likely benign. Last evaluated: 2022-07-01. Review status: criteria provided, single submitter. Criteria: CeGaT Center For Human Genetics Tuebingen Variant Classification Criteria Version 2. Collection method: clinical testing. Allele origin: germline. Affected: yes. Observed: 1 variant allele.
Comment: SON: BP4, BP7